The following is an entry in ClinVar:

ClinVar aggregate classification (germline): Uncertain significance. Review status: criteria provided, multiple submitters, no conflicts (2 of 4 stars). 2 submissions from 2 submitters: Uncertain significance (2). Last evaluated 2025-03-02.

Conditions:
Hereditary cancer-predisposing syndrome. Also called: Hereditary Cancer Syndrome; Hereditary neoplastic syndrome; Tumor predisposition; Neoplastic Syndromes, Hereditary. Identifiers: Orphanet 140162, MedGen C0027672, MeSH D009386, MONDO:0015356.
EGFR-related lung cancer (EGFR). Identifiers: MedGen CN130014.

Allele frequency attached by ClinVar (database versions not stated): gnomAD 0.00003; TOPMed 0.00004.
gnomAD v4.1: 5 of 1,613,780 alleles (0.00031%); highest among the groups gnomAD compares: African/African-American, 0.0067%; no homozygotes.

Submissions (2):

Ambry Genetics
Classification: Uncertain significance for Hereditary cancer-predisposing syndrome. Last evaluated: 2025-03-02. Review status: criteria provided, single submitter. Criteria: Ambry Variant Classification Scheme 2023. Collection method: clinical testing. Allele origin: germline.
Comment: The p.G485A variant (also known as c.1454G>C), located in coding exon 12 of the EGFR gene, results from a G to C substitution at nucleotide position 1454. The glycine at codon 485 is replaced by alanine, an amino acid with similar properties. This amino acid position is conserved. In addition, this alteration is predicted to be tolerated by in silico analysis. Based on the available evidence, the clinical significance of this variant remains unclear.

Labcorp Genetics (formerly Invitae), Labcorp
Classification: Uncertain significance for EGFR-related lung cancer. Last evaluated: 2024-08-07. Review status: criteria provided, single submitter. Criteria: Invitae Variant Classification Sherloc (09022015). Collection method: clinical testing. Allele origin: germline.
Comment: This sequence change replaces glycine, which is neutral and non-polar, with alanine, which is neutral and non-polar, at codon 485 of the EGFR protein (p.Gly485Ala). This variant is present in population databases (no rsID available, gnomAD 0.007%). This variant has not been reported in the literature in individuals affected with EGFR-related conditions. An algorithm developed to predict the effect of missense changes on protein structure and function (PolyPhen-2) suggests that this variant is likely to be tolerated. In summary, the available evidence is currently insufficient to determine the role of this variant in disease. Therefore, it has been classified as a Variant of Uncertain Significance.

NM_005228.5(EGFR):c.1454G>C (p.Gly485Ala)

Gene: EGFR (epidermal growth factor receptor; plus strand). Cytogenetic location: 7p11.2.
Variant type: single nucleotide variant.
Coding change: c.1454G>C on transcript NM_005228.5 (MANE Select); coding-DNA position 1454, G replaced by C.
Protein change: p.Gly485Ala; replaces glycine 485 with alanine.
Molecular consequence: missense variant.
Genome position (GRCh38, 1-based): chr7:55,160,294, G>C. VCF-style: chr7-55160294-G-C. GRCh37 (hg19) VCF-style: chr7-55227987-G-C.
Other names: c.1319G>C, p.Gly440Ala (NM_001346897.2, NM_001346899.2); c.1454G>C, p.Gly485Ala (NM_001346898.2, NM_201282.2, NM_201284.2); c.1295G>C, p.Gly432Ala (NM_001346900.2); c.653G>C, p.Gly218Ala (NM_001346941.2); short protein forms G218A, G432A, G485A, G440A.
Identifiers: ClinVar variation 2904529 (VCV002904529.4), dbSNP rs982033612, ClinGen allele CA158917235.